The following is an entry in ClinVar:

NM_031935.3(HMCN1):c.9884T>G (p.Ile3295Ser)

Gene: HMCN1 (hemicentin 1; plus strand). Cytogenetic location: 1q31.1.
Variant type: single nucleotide variant.
Coding change: c.9884T>G on transcript NM_031935.3 (MANE Select); coding-DNA position 9884, T replaced by G.
Protein change: p.Ile3295Ser; replaces isoleucine 3295 with serine.
Molecular consequence: missense variant.
Genome position (GRCh38, 1-based): chr1:186,090,914, T>G. VCF-style: chr1-186090914-T-G. GRCh37 (hg19) VCF-style: chr1-186060046-T-G.
Other names: short protein forms I3295S.
Identifiers: ClinVar variation 3700426 (VCV003700426.2).
Genomic context (GRCh38, chr1:186,090,914, plus strand): 5'-CTCCACTTATTCAATGGCTTAAAGATGGAAAGCCCATAGCTAGTGGTGAAACAGAAAGAA[T>G]CCGGTATGTTTAAAAATAATCTTTCCATTATAAATTGTAAGCCCTTCTACAATGCTTTAT-3'
Protein context (NP_114141.2, residues 3285-3305): KPIASGETER[Ile3295Ser]RVSANGSTLN

ClinVar aggregate classification (germline): Uncertain significance (1 of 4 stars; one submission).

gnomAD v4.1: 4 of 1,611,494 alleles (0.00025%); highest among the groups gnomAD compares: East Asian, 0.0089%; no homozygotes.

Submission:

Labcorp Genetics (formerly Invitae), Labcorp
Classification: Uncertain significance. Last evaluated: 2024-09-22. Review status: criteria provided, single submitter. Criteria: Invitae Variant Classification Sherloc (09022015). Collection method: clinical testing. Allele origin: germline.
Comment: This sequence change replaces isoleucine, which is neutral and non-polar, with serine, which is neutral and polar, at codon 3295 of the HMCN1 protein (p.Ile3295Ser). This variant is present in population databases (rs747661830, gnomAD 0.02%). This variant has not been reported in the literature in individuals affected with HMCN1-related conditions. An algorithm developed to predict the effect of missense changes on protein structure and function (PolyPhen-2) suggests that this variant is likely to be disruptive. In summary, the available evidence is currently insufficient to determine the role of this variant in disease. Therefore, it has been classified as a Variant of Uncertain Significance.